The following is an entry in ClinVar:

NM_001348768.2(HECW2):c.475G>C (p.Val159Leu)

Gene: HECW2 (HECT, C2 and WW domain containing E3 ubiquitin protein ligase 2; minus strand). Cytogenetic location: 2q32.3.
Variant type: single nucleotide variant.
Coding change: c.475G>C on transcript NM_001348768.2 (MANE Select); coding-DNA position 475, G replaced by C.
Protein change: p.Val159Leu; replaces valine 159 with leucine.
Molecular consequence: missense variant. On other transcripts: 5 prime UTR variant (1).
Genome position (GRCh38, 1-based): chr2:196,334,444, C>G on the plus strand (G>C on the coding strand, the complement: HECW2 is on the minus strand). VCF-style: chr2-196334444-C-G. GRCh37 (hg19) VCF-style: chr2-197199168-C-G.
Other names: c.-422G>C (NM_001304840.3); c.475G>C, p.Val159Leu (NM_020760.4); short protein forms V159L.
Identifiers: ClinVar variation 2575809 (VCV002575809.2), dbSNP rs185418720, ClinGen allele CA349971628.

ClinVar aggregate classification (germline): Uncertain significance (1 of 4 stars; one submission).

Submission:

GeneDx
Classification: Uncertain significance. Last evaluated: 2024-04-21. Review status: criteria provided, single submitter. Criteria: GeneDx Variant Classification Process June 2021. Collection method: clinical testing. Allele origin: germline. Affected: yes.
Comment: Not observed at significant frequency in large population cohorts (gnomAD); In silico analysis indicates that this missense variant does not alter protein structure/function; Has not been previously published as pathogenic or benign to our knowledge